The following is an entry in ClinVar:

NM_003265.3(TLR3):c.376A>G (p.Thr126Ala)

Gene: TLR3 (toll like receptor 3; plus strand). Cytogenetic location: 4q35.1.
Variant type: single nucleotide variant.
Coding change: c.376A>G on transcript NM_003265.3 (MANE Select); coding-DNA position 376, A replaced by G.
Protein change: p.Thr126Ala; replaces threonine 126 with alanine.
Molecular consequence: missense variant.
Genome position (GRCh38, 1-based): chr4:186,076,995, A>G. VCF-style: chr4-186076995-A-G. GRCh37 (hg19) VCF-style: chr4-186998149-A-G.
Other names: short protein forms T126A.
Identifiers: ClinVar variation 3705193 (VCV003705193.2).
Genomic context (GRCh38, chr4:186,076,995, plus strand): 5'-CTCCAGCACAATGAGCTATCTCAACTTTCTGATAAAACCTTTGCCTTCTGCACGAATTTG[A>G]CTGAACTCCATCTCATGTCCAACTCAATCCAGAAAATTAAAAATAATCCCTTTGTCAAGC-3'
Protein context (NP_003256.1, residues 116-136): DKTFAFCTNL[Thr126Ala]ELHLMSNSIQ

ClinVar aggregate classification (germline): Uncertain significance (1 of 4 stars; one submission).

Conditions:
Encephalopathy, acute, infection-induced (herpes-specific), susceptibility to, 1. Also called: Herpes simplex encephalitis, susceptibility to, 1. Identifiers: Orphanet 1930, MedGen C2750180, MONDO:0024563, OMIM 610551.

Submission:

Labcorp Genetics (formerly Invitae), Labcorp
Classification: Uncertain significance for Encephalopathy, acute, infection-induced (herpes-specific), susceptibility to, 1. Last evaluated: 2024-12-24. Review status: criteria provided, single submitter. Criteria: Invitae Variant Classification Sherloc (09022015). Collection method: clinical testing. Allele origin: germline.
Comment: This sequence change replaces threonine, which is neutral and polar, with alanine, which is neutral and non-polar, at codon 126 of the TLR3 protein (p.Thr126Ala). This variant is present in population databases (no rsID available, gnomAD 0.003%). This variant has not been reported in the literature in individuals affected with TLR3-related conditions. An algorithm developed to predict the effect of missense changes on protein structure and function outputs the following: PolyPhen-2: "Benign". The alanine amino acid residue is found in multiple mammalian species, which suggests that this missense change does not adversely affect protein function. In summary, the available evidence is currently insufficient to determine the role of this variant in disease. Therefore, it has been classified as a Variant of Uncertain Significance.